The following is an entry in ClinVar:

NM_000360.4(TH):c.403G>A (p.Glu135Lys)

Gene: TH (tyrosine hydroxylase; minus strand). Cytogenetic location: 11p15.5.
Variant type: single nucleotide variant.
Coding change: c.403G>A on transcript NM_000360.4 (MANE Select); coding-DNA position 403, G replaced by A.
Protein change: p.Glu135Lys; replaces glutamic acid 135 with lysine.
Molecular consequence: missense variant.
Genome position (GRCh38, 1-based): chr11:2,168,575, C>T on the plus strand (G>A on the coding strand, the complement: TH is on the minus strand). VCF-style: chr11-2168575-C-T. GRCh37 (hg19) VCF-style: chr11-2189805-C-T.
Other names: c.496G>A, p.Glu166Lys (NM_199292.3); c.484G>A, p.Glu162Lys (NM_199293.3); short protein forms E162K, E166K, E135K.
Identifiers: ClinVar variation 1961127 (VCV001961127.3), dbSNP rs143087358, ClinGen allele CA5818677.

ClinVar aggregate classification (germline): Uncertain significance (1 of 4 stars; one submission).

Conditions:
TH-deficient dopa-responsive dystonia. Also called: Tyrosine Hydroxylase-Deficient Dopa-Responsive Dystonia; Segawa syndrome, autosomal recessive; DYT-TH. Identifiers: Orphanet 101150, MedGen C2673535, MONDO:0011551, OMIM 605407.

Allele frequency attached by ClinVar (database versions not stated): gnomAD exomes 0.00004; ExAC 0.00007; ESP Exome Variant Server 0.00008; gnomAD 0.00010; TOPMed 0.00010; 1000 Genomes Project 30x 0.00078; 1000 Genomes Project 0.00100.
gnomAD v4.1: 69 of 1,611,726 alleles (0.0043%); highest among the groups gnomAD compares: African/African-American, 0.033%; no homozygotes.

Submission:

Labcorp Genetics (formerly Invitae), Labcorp
Classification: Uncertain significance for TH-deficient dopa-responsive dystonia. Last evaluated: 2025-02-03. Review status: criteria provided, single submitter. Criteria: Invitae Variant Classification Sherloc (09022015). Collection method: clinical testing. Allele origin: germline.
Comment: This sequence change replaces glutamic acid, which is acidic and polar, with lysine, which is basic and polar, at codon 166 of the TH protein (p.Glu166Lys). This variant is present in population databases (rs143087358, gnomAD 0.03%). This variant has not been reported in the literature in individuals affected with TH-related conditions. ClinVar contains an entry for this variant (Variation ID: 1961127). Invitae Evidence Modeling of protein sequence and biophysical properties (such as structural, functional, and spatial information, amino acid conservation, physicochemical variation, residue mobility, and thermodynamic stability) has been performed for this missense variant. However, the output from this modeling did not meet the statistical confidence thresholds required to predict the impact of this variant on TH protein function. In summary, the available evidence is currently insufficient to determine the role of this variant in disease. Therefore, it has been classified as a Variant of Uncertain Significance.